The following is an entry in ClinVar:

ClinVar aggregate classification (germline): Likely pathogenic (1 of 4 stars; one submission).

Submission:

Mayo Clinic Laboratories, Mayo Clinic
Classification: Likely pathogenic. Last evaluated: 2025-02-04. Review status: criteria provided, single submitter. Criteria: ACMG Guidelines, 2015. Collection method: clinical testing. Allele origin: germline. Observed: 1 variant allele.
Comment: PM2_supporting, PVS1

NM_015175.3(NBEAL2):c.1430G>A (p.Trp477Ter)

Gene: NBEAL2 (neurobeachin like 2; plus strand). Cytogenetic location: 3p21.31.
Variant type: single nucleotide variant.
Coding change: c.1430G>A on transcript NM_015175.3 (MANE Select); coding-DNA position 1430, G replaced by A.
Protein change: p.Trp477Ter; replaces tryptophan 477 with a stop codon.
Molecular consequence: nonsense.
Genome position (GRCh38, 1-based): chr3:46,995,165, G>A. VCF-style: chr3-46995165-G-A. GRCh37 (hg19) VCF-style: chr3-47036655-G-A.
Other names: p.Trp477*; c.1328G>A, p.Trp443Ter (NM_001365116.2); short protein forms W477*, W443*.
Identifiers: ClinVar variation 4540860 (VCV004540860.1).